The following is an entry in ClinVar:

NM_000368.5(TSC1):c.533T>G (p.Val178Gly)

Gene: TSC1 (TSC complex subunit 1; minus strand). Cytogenetic location: 9q34.13.
Variant type: single nucleotide variant.
Coding change: c.533T>G on transcript NM_000368.5 (MANE Select); coding-DNA position 533, T replaced by G.
Protein change: p.Val178Gly; replaces valine 178 with glycine.
Molecular consequence: missense variant. On other transcripts: 5 prime UTR variant (5), non-coding transcript variant (5).
Genome position (GRCh38, 1-based): chr9:132,921,949, A>C on the plus strand (T>G on the coding strand, the complement: TSC1 is on the minus strand). VCF-style: chr9-132921949-A-C. GRCh37 (hg19) VCF-style: chr9-135797336-A-C.
Other names: c.533T>G, p.Val178Gly (NM_001162426.2, NM_001406592.1, NM_001406593.1 and 16 more transcripts); c.380T>G, p.Val127Gly (NM_001162427.2, NM_001406610.1, NM_001406611.1 and 2 more transcripts); c.170T>G, p.Val57Gly (NM_001362177.2, NM_001406614.1, NM_001406615.1 and 10 more transcripts); c.-345T>G (NM_001406626.1, NM_001406627.1, NM_001406628.1); c.-487T>G (NM_001406629.1); c.-561T>G (NM_001406630.1); short protein forms V178G, V127G, V57G.
Identifiers: ClinVar variation 2704592 (VCV002704592.3), dbSNP rs2132160384, ClinGen allele CA375372849.
Genomic context (GRCh38, chr9:132,921,949, plus strand): 5'-TTGCAAGGGTACATTCCATAAAGGCGATGAAAGAGTGCGTACACACTGGCATGGAGATGG[A>C]CGAGATAGACTTCCGCCACGTGGCCTAGAAAAGGAACCCGTTGAGAAGAGCCTCTTAGTT-3'
Protein context (NP_000359.1, residues 168-188): KPGHVAEVYL[Val178Gly]HLHASVYALF

ClinVar aggregate classification (germline): Uncertain significance (1 of 4 stars; one submission).

Conditions:
Tuberous sclerosis 1 (TSC1). Identifiers: Orphanet 805, MedGen C1854465, MONDO:0008612, OMIM 191100.

Submission:

Labcorp Genetics (formerly Invitae), Labcorp
Classification: Uncertain significance for Tuberous sclerosis 1. Last evaluated: 2023-12-21. Review status: criteria provided, single submitter. Criteria: Invitae Variant Classification Sherloc (09022015). Collection method: clinical testing. Allele origin: germline.
Comment: This sequence change replaces valine, which is neutral and non-polar, with glycine, which is neutral and non-polar, at codon 178 of the TSC1 protein (p.Val178Gly). This variant is not present in population databases (gnomAD no frequency). This variant has not been reported in the literature in individuals affected with TSC1-related conditions. Advanced modeling of protein sequence and biophysical properties (such as structural, functional, and spatial information, amino acid conservation, physicochemical variation, residue mobility, and thermodynamic stability) performed at Invitae indicates that this missense variant is not expected to disrupt TSC1 protein function with a negative predictive value of 95%. In summary, the available evidence is currently insufficient to determine the role of this variant in disease. Therefore, it has been classified as a Variant of Uncertain Significance.